The following is an entry in ClinVar:

ClinVar aggregate classification (germline): Conflicting classifications of pathogenicity. Review status: criteria provided, conflicting classifications (1 of 4 stars). 5 submissions from 5 submitters: Uncertain significance (1); Benign (1); Likely benign (2). 1 of the submissions does not count toward it. Last evaluated 2026-07-01.

Conditions:
Primary ciliary dyskinesia 3. Identifiers: Orphanet 244, MedGen C1837618, MONDO:0012085, OMIM 608644.
Primary ciliary dyskinesia. Also called: Ciliary dyskinesia. Identifiers: Orphanet 244, MedGen C0008780, MONDO:0016575, HP:0012265.

Allele frequency attached by ClinVar (database versions not stated): TOPMed 0.00016; ExAC 0.00044; gnomAD exomes 0.00046.
gnomAD v4.1: 126 of 1,613,924 alleles (0.0078%); highest among the groups gnomAD compares: Admixed American, 0.21%; 1 homozygote.

Submissions (5):

CeGaT Center for Human Genetics Tuebingen
Classification: Likely benign. Last evaluated: 2026-07-01. Review status: criteria provided, single submitter. Criteria: CeGaT Center For Human Genetics Tuebingen Variant Classification Criteria Version 2. Collection method: clinical testing. Allele origin: germline. Affected: yes. Observed: 1 variant allele.
Comment: DNAH5: BP4, BP7

Labcorp Genetics (formerly Invitae), Labcorp
Classification: Benign for Primary ciliary dyskinesia. Last evaluated: 2026-01-26. Review status: criteria provided, single submitter. Criteria: Invitae Variant Classification Sherloc (09022015). Collection method: clinical testing. Allele origin: germline.

Illumina Laboratory Services, Illumina
Classification: Uncertain significance for Primary ciliary dyskinesia 3. Last evaluated: 2018-01-13. Review status: criteria provided, single submitter. Criteria: ICSL Variant Classification Criteria 13 December 2019. Collection method: clinical testing. Allele origin: germline.

Ambry Genetics
Classification: Likely benign for Primary ciliary dyskinesia. Last evaluated: 2015-08-26. Review status: criteria provided, single submitter. Criteria: Ambry Variant Classification Scheme 2023. Collection method: clinical testing. Allele origin: germline.

Natera, Inc.
Classification: Likely benign for Primary ciliary dyskinesia. Last evaluated: 2020-05-31. Review status: no assertion criteria provided. Collection method: clinical testing. Allele origin: germline. Not counted in ClinVar's aggregate classification.

NM_001369.3(DNAH5):c.8268A>C (p.Ser2756=)

Gene: DNAH5 (dynein axonemal heavy chain 5; minus strand). Cytogenetic location: 5p15.2.
Variant type: single nucleotide variant.
Coding change: c.8268A>C on transcript NM_001369.3 (MANE Select); coding-DNA position 8268, A replaced by C.
Protein change: p.Ser2756=; no amino-acid change (serine 2756 retained).
Molecular consequence: synonymous variant.
Genome position (GRCh38, 1-based): chr5:13,792,174, T>G on the plus strand (A>C on the coding strand, the complement: DNAH5 is on the minus strand). VCF-style: chr5-13792174-T-G. GRCh37 (hg19) VCF-style: chr5-13792283-T-G.
Identifiers: ClinVar variation 351054 (VCV000351054.20), dbSNP rs775185371, ClinGen allele CA3202853.